The following is an entry in ClinVar:

NM_006767.4(LZTR1):c.2423C>A (p.Thr808Asn)

Gene: LZTR1 (leucine zipper like post translational regulator 1; plus strand). Cytogenetic location: 22q11.21.
Variant type: single nucleotide variant.
Coding change: c.2423C>A on transcript NM_006767.4 (MANE Select); coding-DNA position 2423, C replaced by A.
Protein change: p.Thr808Asn; replaces threonine 808 with asparagine.
Molecular consequence: missense variant.
Genome position (GRCh38, 1-based): chr22:20,997,248, C>A. VCF-style: chr22-20997248-C-A. GRCh37 (hg19) VCF-style: chr22-21351537-C-A.
Other names: short protein forms T808N.
Identifiers: ClinVar variation 1026370 (VCV001026370.11), dbSNP rs1041569569, ClinGen allele CA322274138.

ClinVar aggregate classification (germline): Uncertain significance. Review status: criteria provided, multiple submitters, no conflicts (2 of 4 stars). 2 submissions from 2 submitters: Uncertain significance (2). Last evaluated 2025-02-26.

Conditions:
Hereditary cancer-predisposing syndrome. Also called: Neoplastic Syndromes, Hereditary; Tumor predisposition; Hereditary Cancer Syndrome; Hereditary neoplastic syndrome. Identifiers: Orphanet 140162, MedGen C0027672, MeSH D009386, MONDO:0015356.
Cardiovascular phenotype. Identifiers: MedGen CN230736.

gnomAD v4.1: 2 of 1,613,528 alleles (0.00012%); highest among the groups gnomAD compares: Non-Finnish European, 0.000085%; no homozygotes.

Submissions (2):

Labcorp Genetics (formerly Invitae), Labcorp
Classification: Uncertain significance. Last evaluated: 2025-02-26. Review status: criteria provided, single submitter. Criteria: Invitae Variant Classification Sherloc (09022015). Collection method: clinical testing. Allele origin: germline.
Comment: This sequence change replaces threonine, which is neutral and polar, with asparagine, which is neutral and polar, at codon 808 of the LZTR1 protein (p.Thr808Asn). This variant is not present in population databases (gnomAD no frequency). This variant has not been reported in the literature in individuals affected with LZTR1-related conditions. ClinVar contains an entry for this variant (Variation ID: 1026370). Invitae Evidence Modeling of protein sequence and biophysical properties (such as structural, functional, and spatial information, amino acid conservation, physicochemical variation, residue mobility, and thermodynamic stability) indicates that this missense variant is not expected to disrupt LZTR1 protein function with a negative predictive value of 80%. In summary, the available evidence is currently insufficient to determine the role of this variant in disease. Therefore, it has been classified as a Variant of Uncertain Significance.

Ambry Genetics
Classification: Uncertain significance for Cardiovascular phenotype; Hereditary cancer-predisposing syndrome. Last evaluated: 2021-09-20. Review status: criteria provided, single submitter. Criteria: Ambry Variant Classification Scheme 2023. Collection method: clinical testing. Allele origin: germline.
Comment: The p.T808N variant (also known as c.2423C>A), located in coding exon 21 of the LZTR1 gene, results from a C to A substitution at nucleotide position 2423. The threonine at codon 808 is replaced by asparagine, an amino acid with similar properties. This amino acid position is not well conserved in available vertebrate species. In addition, this alteration is predicted to be tolerated by in silico analysis. Since supporting evidence is limited at this time, the clinical significance of this alteration remains unclear.